The following is an entry in ClinVar:

ClinVar aggregate classification (germline): not provided (0 of 4 stars; one submission).

Conditions:
Familial long QT syndrome (RWS). Also called: Congenital long QT syndrome; Romano-Ward syndrome; VENTRICULAR FIBRILLATION WITH PROLONGED QT INTERVAL. Identifiers: Orphanet 768, MedGen C1141890, MONDO:0019171.

Submission:

Cardiovascular Biomedical Research Unit, Royal Brompton & Harefield NHS Foundation Trust
No classification provided. Condition: Familial long QT syndrome. Review status: no classification provided. Collection method: literature only. Allele origin: germline.
Comment: This variant has been reported as associated with Long QT syndrome in the following publications (PMID:20541041). This is a literature report, and does not necessarily reflect the clinical interpretation of the Imperial College / Royal Brompton Cardiovascular Genetics laboratory.

Literature cited by the submitters: PubMed 20541041; PubMed 22581653.

NM_000238.4(KCNH2):c.1898A>T (p.Asn633Ile)

Gene: KCNH2 (potassium voltage-gated channel subfamily H member 2; minus strand). Cytogenetic location: 7q36.1.
Variant type: single nucleotide variant.
Coding change: c.1898A>T on transcript NM_000238.4 (MANE Select); coding-DNA position 1898, A replaced by T.
Protein change: p.Asn633Ile; replaces asparagine 633 with isoleucine.
Molecular consequence: missense variant.
Genome position (GRCh38, 1-based): chr7:150,951,495, T>A on the plus strand (A>T on the coding strand, the complement: KCNH2 is on the minus strand). VCF-style: chr7-150951495-T-A. GRCh37 (hg19) VCF-style: chr7-150648583-T-A.
Other names: c.1898A>T (LRG_288t1); c.878A>T, p.Asn293Ile (NM_001204798.2, NM_172057.3); c.1610A>T, p.Asn537Ile (NM_001406753.1, NM_001406756.1); c.1721A>T, p.Asn574Ile (NM_001406755.1); c.1598A>T, p.Asn533Ile (NM_001406757.1); c.1898A>T, p.Asn633Ile (NM_172056.3); short protein forms N293I, N633I, N574I, N533I, N537I.
Identifiers: ClinVar variation 67324 (VCV000067324.3), dbSNP rs199472961, ClinGen allele CA005910.